The following is an entry in ClinVar:

NM_001037333.3(CYFIP2):c.2662T>C (p.Tyr888His)

Gene: CYFIP2 (cytoplasmic FMR1 interacting protein 2; plus strand). Cytogenetic location: 5q33.3.
Variant type: single nucleotide variant.
Coding change: c.2662T>C on transcript NM_001037333.3 (MANE Select); coding-DNA position 2662, T replaced by C.
Protein change: p.Tyr888His; replaces tyrosine 888 with histidine.
Molecular consequence: missense variant.
Genome position (GRCh38, 1-based): chr5:157,341,146, T>C. VCF-style: chr5-157341146-T-C. GRCh37 (hg19) VCF-style: chr5-156768154-T-C.
Other names: c.2584T>C, p.Tyr862His (NM_001291721.2); c.2737T>C, p.Tyr913His (NM_001291722.2); c.2662T>C, p.Tyr888His (NM_014376.4); c.2662T>C (NM_001037333.1); short protein forms Y913H, Y862H, Y888H.
Identifiers: ClinVar variation 1974287 (VCV001974287.7), dbSNP rs768136187, ClinGen allele CA130142779.

ClinVar aggregate classification (germline): Uncertain significance. Review status: criteria provided, multiple submitters, no conflicts (2 of 4 stars). 2 submissions from 2 submitters: Uncertain significance (2). Last evaluated 2024-07-06.

Conditions:
Inborn genetic diseases. Identifiers: MedGen C0950123, MeSH D030342.

Allele frequency attached by ClinVar (database versions not stated): gnomAD exomes below 0.00001.
gnomAD v4.1: 2 of 1,613,802 alleles (0.00012%); highest among the groups gnomAD compares: Non-Finnish European, 0.00017%; no homozygotes.

Submissions (2):

Labcorp Genetics (formerly Invitae), Labcorp
Classification: Uncertain significance. Last evaluated: 2024-07-06. Review status: criteria provided, single submitter. Criteria: Invitae Variant Classification Sherloc (09022015). Collection method: clinical testing. Allele origin: germline.
Comment: This sequence change replaces tyrosine, which is neutral and polar, with histidine, which is basic and polar, at codon 888 of the CYFIP2 protein (p.Tyr888His). This variant is not present in population databases (gnomAD no frequency). This variant has not been reported in the literature in individuals affected with CYFIP2-related conditions. ClinVar contains an entry for this variant (Variation ID: 1974287). Experimental studies and prediction algorithms are not available or were not evaluated, and the functional significance of this variant is currently unknown. In summary, the available evidence is currently insufficient to determine the role of this variant in disease. Therefore, it has been classified as a Variant of Uncertain Significance.

Ambry Genetics
Classification: Uncertain significance for Inborn genetic diseases. Last evaluated: 2023-03-20. Review status: criteria provided, single submitter. Criteria: Ambry Variant Classification Scheme 2023. Collection method: clinical testing. Allele origin: germline.